The following is an entry in ClinVar:

ClinVar aggregate classification (germline): Conflicting classifications of pathogenicity. Review status: criteria provided, conflicting classifications (1 of 4 stars). 6 submissions from 5 submitters: Uncertain significance (3); Likely benign (1). 2 of the submissions do not count toward it. Last evaluated 2026-02-01.

Conditions:
CDH23-related disorder. Also called: CDH23-related disorders; CDH23-related condition.
Usher syndrome type 1D (USH1D). Also called: USHER SYNDROME, TYPE ID. Identifiers: Orphanet 231169, Orphanet 886, MedGen C1832845, MONDO:0010984, OMIM 601067.
Autosomal recessive nonsyndromic hearing loss 12. Also called: DEAFNESS, AUTOSOMAL RECESSIVE 12. Identifiers: Orphanet 90636, MedGen C1832394, MONDO:0011067, OMIM 601386.
Usher syndrome type 1 (USH1). Also called: RETINITIS PIGMENTOSA AND CONGENITAL DEAFNESS. Identifiers: Orphanet 231169, Orphanet 886, MedGen C1568247, MONDO:0010168, OMIM 276900.

Allele frequency attached by ClinVar (database versions not stated): gnomAD exomes 0.00014 and 0.00028; ESP Exome Variant Server 0.00016; TOPMed 0.00018; ExAC 0.00021; gnomAD 0.00021.
gnomAD v4.1: 253 of 1,614,008 alleles (0.016%); highest among the groups gnomAD compares: Middle Eastern, 0.21%; no homozygotes.

Submissions (6):

Labcorp Genetics (formerly Invitae), Labcorp
Classification: Likely benign. Last evaluated: 2026-02-01. Review status: criteria provided, single submitter. Criteria: Invitae Variant Classification Sherloc (09022015). Collection method: clinical testing. Allele origin: germline.

Blueprint Genetics
Classification: Uncertain significance. Last evaluated: 2024-11-04. Review status: criteria provided, single submitter. Criteria: ACMG Guidelines, 2015. Collection method: clinical testing. Allele origin: germline.

Illumina Laboratory Services, Illumina
Classification: Uncertain significance for Autosomal recessive nonsyndromic hearing loss 12. Last evaluated: 2017-04-27. Review status: criteria provided, single submitter. Criteria: ICSL Variant Classification Criteria 13 December 2019. Collection method: clinical testing. Allele origin: germline.

Illumina Laboratory Services, Illumina
Classification: Uncertain significance for Usher syndrome type 1D. Last evaluated: 2017-04-27. Review status: criteria provided, single submitter. Criteria: ICSL Variant Classification Criteria 13 December 2019. Collection method: clinical testing. Allele origin: germline.

Natera, Inc.
Classification: Uncertain significance for Usher syndrome type 1. Last evaluated: 2020-04-16. Review status: no assertion criteria provided. Collection method: clinical testing. Allele origin: germline. Not counted in ClinVar's aggregate classification.

PreventionGenetics, part of Exact Sciences
Classification: Likely benign for CDH23-related condition. Last evaluated: 2019-05-23. Review status: no assertion criteria provided. Collection method: clinical testing. Allele origin: germline. Not counted in ClinVar's aggregate classification.
Comment: This variant is classified as likely benign based on ACMG/AMP sequence variant interpretation guidelines (Richards et al. 2015 PMID: 25741868, with internal and published modifications).

NM_022124.6(CDH23):c.5236C>T (p.Arg1746Trp)

Gene: CDH23 (cadherin related 23; plus strand). Cytogenetic location: 10q22.1.
Variant type: single nucleotide variant.
Coding change: c.5236C>T on transcript NM_022124.6 (MANE Select); coding-DNA position 5236, C replaced by T.
Protein change: p.Arg1746Trp; replaces arginine 1746 with tryptophan.
Molecular consequence: missense variant.
Genome position (GRCh38, 1-based): chr10:71,779,315, C>T. VCF-style: chr10-71779315-C-T. GRCh37 (hg19) VCF-style: chr10-73539072-C-T.
Other names: short protein forms R1746W.
Identifiers: ClinVar variation 763062 (VCV000763062.18), dbSNP rs201763918, ClinGen allele CA5545695.